The following is an entry in ClinVar:

NM_000138.5(FBN1):c.7465T>C (p.Cys2489Arg)

Gene: FBN1 (fibrillin 1; minus strand). Cytogenetic location: 15q21.1.
Variant type: single nucleotide variant.
Coding change: c.7465T>C on transcript NM_000138.5 (MANE Select); coding-DNA position 7465, T replaced by C.
Protein change: p.Cys2489Arg; replaces cysteine 2489 with arginine.
Molecular consequence: missense variant.
Genome position (GRCh38, 1-based): chr15:48,422,057, A>G on the plus strand (T>C on the coding strand, the complement: FBN1 is on the minus strand). VCF-style: chr15-48422057-A-G. GRCh37 (hg19) VCF-style: chr15-48714254-A-G.
Other names: short protein forms C2489R.
Identifiers: ClinVar variation 379778 (VCV000379778.4), dbSNP rs1057520728, ClinGen allele CA16606955.
Genomic context (GRCh38, chr15:48,422,057, plus strand): 5'-ATGTGAAGCCGCCAATGGTGTTAACACATAGGAACTGGCAGTTGTGTTGCTTGGTTGCAC[A>G]CTCATCAAGATCTACAAGAAAATGCAAGAGAGGCATTTGAGTCAAGCCAACAAAACAGGA-3'
Protein context (NP_000129.3, residues 2479-2499): DGRSCKDLDE[Cys2489Arg]ATKQHNCQFL

ClinVar aggregate classification (germline): Pathogenic. Review status: criteria provided, multiple submitters, no conflicts (2 of 4 stars). 2 submissions from 2 submitters: Pathogenic (2). Last evaluated 2025-11-03.

Conditions:
Marfan syndrome (MFS). Also called: Marfan syndrome, classic; Marfan syndrome type 1; Marfan's syndrome; MARFAN SYNDROME, TYPE I; FBN1-Related Marfan Syndrome. Identifiers: Orphanet 284963, Orphanet 558, MedGen C0024796, MONDO:0007947, OMIM 154700.
Familial thoracic aortic aneurysm and aortic dissection (TAAD). Also called: Thoracic aortic aneurysms and dissections. Identifiers: Orphanet 91387, MedGen C4707243, MONDO:0019625.

Submissions (2):

Labcorp Genetics (formerly Invitae), Labcorp
Classification: Pathogenic for Marfan syndrome; Familial thoracic aortic aneurysm and aortic dissection. Last evaluated: 2025-11-03. Review status: criteria provided, single submitter. Criteria: Invitae Variant Classification Sherloc (09022015). Collection method: clinical testing. Allele origin: germline.
Comment: This sequence change replaces cysteine, which is neutral and slightly polar, with arginine, which is basic and polar, at codon 2489 of the FBN1 protein (p.Cys2489Arg). This variant is not present in population databases (gnomAD no frequency). This missense change has been observed in individual(s) with Marfan syndrome (PMID: 9338581). It has also been observed to segregate with disease in related individuals. ClinVar contains an entry for this variant (Variation ID: 379778). Invitae Evidence Modeling of protein sequence and biophysical properties (such as structural, functional, and spatial information, amino acid conservation, physicochemical variation, residue mobility, and thermodynamic stability) indicates that this missense variant is expected to disrupt FBN1 protein function with a positive predictive value of 95%. This variant affects a cysteine residue in the EGF-like, TGFBP or hybrid motif domains of FBN1. Cysteine residues are believed to be involved in intramolecular disulfide bridges and have been shown to be important for FBN1 protein structure (PMID: 16905551, 19349279). In addition, missense substitutions affecting cysteine residues within these domains are significantly overrepresented among patients with Marfan syndrome (PMID: 16571647, 17701892). For these reasons, this variant has been classified as Pathogenic.

GeneDx
Classification: Pathogenic. Last evaluated: 2019-07-24. Review status: criteria provided, single submitter. Criteria: GeneDx Variant Classification Process June 2021. Collection method: clinical testing. Allele origin: germline. Affected: yes.
Comment: Not observed in large population cohorts (Lek et al., 2016); In silico analysis, which includes protein predictors and evolutionary conservation, supports a deleterious effect; Affects a cysteine residue within a calcium-binding EGF-like domain of the FBN1 gene, which may affect disulfide bonding and is predicted to alter the structure and function of the protein; cysteine substitutions in the calcium-binding EGF-like domains represent the majority of pathogenic missense changes associated with FBN1-related disorders (Collod-Beroud et al., 2003).; This variant is associated with the following publications: (PMID: 9338581)

Literature cited by the submitters: PubMed 9338581 (cited by Labcorp Genetics (formerly Invitae), Labcorp); PubMed 16905551 (cited by Labcorp Genetics (formerly Invitae), Labcorp); PubMed 19349279 (cited by Labcorp Genetics (formerly Invitae), Labcorp); PubMed 16571647 (cited by Labcorp Genetics (formerly Invitae), Labcorp); PubMed 17701892 (cited by Labcorp Genetics (formerly Invitae), Labcorp).